The following is an entry in ClinVar:

ClinVar aggregate classification (germline): Conflicting classifications of pathogenicity. Review status: criteria provided, conflicting classifications (1 of 4 stars). 2 submissions from 2 submitters: Uncertain significance (1); Likely benign (1). Last evaluated 2025-07-29.

Allele frequency attached by ClinVar (database versions not stated): gnomAD exomes below 0.00001; ExAC 0.00001; gnomAD 0.00001; TOPMed 0.00001.
gnomAD v4.1: 9 of 1,611,312 alleles (0.00056%); highest among the groups gnomAD compares: East Asian, 0.0089%; no homozygotes.

Submissions (2):

Labcorp Genetics (formerly Invitae), Labcorp
Classification: Likely benign. Last evaluated: 2025-07-29. Review status: criteria provided, single submitter. Criteria: Invitae Variant Classification Sherloc (09022015). Collection method: clinical testing. Allele origin: germline.

Ambry Genetics
Classification: Uncertain significance. Last evaluated: 2023-04-07. Review status: criteria provided, single submitter. Criteria: Ambry Variant Classification Scheme 2023. Collection method: clinical testing. Allele origin: germline.
Comment: The c.141A>T variant (also known as p.T47T), located in coding exon 3 of the RINT1 gene. This variant results from an A to T substitution at nucleotide position 141. This nucleotide substitution does not change the threonine at codon 47. This nucleotide position is well conserved in available vertebrate species. In silico splice site analysis for this alteration is inconclusive. The evidence for this gene-disease relationship is limited; therefore, the clinical significance of this alteration is unclear.

NM_021930.6(RINT1):c.141A>T (p.Thr47=)

Gene: RINT1 (RAD50 interactor 1; plus strand). Cytogenetic location: 7q22.3.
Variant type: single nucleotide variant.
Coding change: c.141A>T on transcript NM_021930.6 (MANE Select); coding-DNA position 141, A replaced by T.
Protein change: p.Thr47=; no amino-acid change (threonine 47 retained).
Molecular consequence: synonymous variant. On other transcripts: 5 prime UTR variant (3), non-coding transcript variant (1), intron variant (1).
Genome position (GRCh38, 1-based): chr7:105,536,617, A>T. VCF-style: chr7-105536617-A-T. GRCh37 (hg19) VCF-style: chr7-105177064-A-T.
Other names: c.-879A>T (NM_001346600.2); c.-782A>T (NM_001346601.2); c.-402A>T (NM_001346603.2); c.39+5A>T (NM_001346599.2).
Identifiers: ClinVar variation 416390 (VCV000416390.14), dbSNP rs756001839, ClinGen allele CA4426357.
Genomic context (GRCh38, chr7:105,536,617, plus strand): 5'-TGTTGTAGGTGACATAAATGTTACAGTTCTTATTGGAAGTAAACAAGTCAGTGAAGGTAC[A>T]GATAATGGTGATCTCCCTTCTTATGTGTCTGCATTCATAGAAAAGGAAGTTGGAAATGAC-3'
Protein context (NP_068749.3, residues 37-57): LIGSKQVSEG[Thr47=]DNGDLPSYVS